The following is an entry in ClinVar:

ClinVar aggregate classification (germline): Uncertain significance (1 of 4 stars; one submission).

Conditions:
Primary ciliary dyskinesia. Also called: Ciliary dyskinesia. Identifiers: Orphanet 244, MedGen C0008780, MONDO:0016575, HP:0012265.

Allele frequency attached by ClinVar (database versions not stated): ExAC 0.00001.
gnomAD v4.1: 1 of 1,614,104 alleles (0.000062%); highest among the groups gnomAD compares: Non-Finnish European, 0.000085%; no homozygotes.

Submission:

Ambry Genetics
Classification: Uncertain significance for Primary ciliary dyskinesia. Last evaluated: 2017-07-05. Review status: criteria provided, single submitter. Criteria: Ambry Variant Classification Scheme 2023. Collection method: clinical testing. Allele origin: germline.
Comment: The p.P171T variant (also known as c.511C>A), located in coding exon 4 of the DNAAF1 gene, results from a C to A substitution at nucleotide position 511. The proline at codon 171 is replaced by threonine, an amino acid with highly similar properties. This amino acid position is not well conserved in available vertebrate species. In addition, this alteration is predicted to be tolerated by in silico analysis. Since supporting evidence is limited at this time, the clinical significance of this alteration remains unclear.

NM_178452.6(DNAAF1):c.511C>A (p.Pro171Thr)

Gene: DNAAF1 (dynein axonemal assembly factor 1; plus strand). Cytogenetic location: 16q24.1.
Variant type: single nucleotide variant.
Coding change: c.511C>A on transcript NM_178452.6 (MANE Select); coding-DNA position 511, C replaced by A.
Protein change: p.Pro171Thr; replaces proline 171 with threonine.
Molecular consequence: missense variant.
Genome position (GRCh38, 1-based): chr16:84,154,735, C>A. VCF-style: chr16-84154735-C-A. GRCh37 (hg19) VCF-style: chr16-84188340-C-A.
Other names: short protein forms P171T.
Identifiers: ClinVar variation 1745455 (VCV001745455.2), dbSNP rs754730362, ClinGen allele CA8202514.